The following is an entry in ClinVar:

ClinVar aggregate classification (germline): Pathogenic (1 of 4 stars; one submission).

Conditions:
AHDC1-related intellectual disability - obstructive sleep apnea - mild dysmorphism syndrome. Also called: Xia-Gibbs syndrome. Identifiers: Orphanet 412069, MedGen C4014419, MONDO:0014358, OMIM 615829.

Submission:

Laboratory of Human Genetics, Universidade de São Paulo
Classification: Pathogenic for AHDC1-related intellectual disability - obstructive sleep apnea - mild dysmorphism syndrome. Last evaluated: 2023-03-16. Review status: criteria provided, single submitter. Criteria: ACMG Guidelines, 2015. Collection method: clinical testing. Allele origin: germline. Inheritance: Autosomal dominant inheritance. Affected: yes. Observed: 1 heterozygote.
Comment: PVS1, PM2

NM_001371928.1(AHDC1):c.3060_3073del (p.Ala1021fs)

Gene: AHDC1 (AT-hook DNA binding motif containing 1; minus strand). Cytogenetic location: 1p36.11.
Variant type: Deletion.
Coding change: c.3060_3073del on transcript NM_001371928.1 (MANE Select); coding-DNA positions 3060 to 3073, 14 bases deleted (TGCCCCACCGCCTA).
Protein change: p.Ala1021fs; shifts the reading frame from alanine 1021.
Molecular consequence: frameshift variant.
Genome position (GRCh38, 1-based): chr1:27,549,043-27,549,056, TAGGCGGTGGGGCA deleted on the plus strand (TGCCCCACCGCCTA on the coding strand, the reverse complement: AHDC1 is on the minus strand); deleting any 14 consecutive bases within chr1:27,549,043-27,549,059 gives the same sequence; the c. name uses the placement nearest the transcript's 3' end. VCF-style (leftmost placement, unchanged base first): chr1-27549042-GTAGGCGGTGGGGCA-G. GRCh37 (hg19) VCF-style: chr1-27875553-GTAGGCGGTGGGGCA-G.
Other names: p.Ala1021ArgfsTer17; c.3060_3073del, p.Ala1021fs (NM_001029882.3); short protein forms A1021fs.
Identifiers: ClinVar variation 2584546 (VCV002584546.2), dbSNP rs2521896168, ClinGen allele CA2582341902.
Genomic context (GRCh38, chr1:27,549,042, plus strand): 5'-GGGGCCCCCTCAGAGCTGCTGAAGAAGGAGGCCTTGCTTGGTGGCAGGCAGGGGCCCCCG[GTAGGCGGTGGGGCA>G]TAGCCGGCGCTGTGGGCGCTGCTGGGTGAGGCAGGGAGGCTGTTGCCACTGCCATAGGCG-3'